The following is an entry in ClinVar:

NM_002075.4(GNB3):c.261CAA[1] (p.Asn88del)

Gene: GNB3 (G protein subunit beta 3; plus strand). Cytogenetic location: 12p13.31.
Variant type: Microsatellite.
Coding change: c.261CAA[1] on transcript NM_002075.4 (MANE Select); one copy of the 3-base unit CAA starting at c.261; the reference has two copies in a row; one copy, 3 bases deleted.
Protein change: p.Asn88del; deletes asparagine 88.
Molecular consequence: inframe deletion.
Genome position (GRCh38, 1-based): chr12:6,843,234-6,843,236, CAA deleted; deleting any 3 consecutive bases within chr12:6,843,231-6,843,236 gives the same sequence; the position shown is the placement nearest the transcript's 3' end. VCF-style (leftmost placement, unchanged base first): chr12-6843230-CCAA-C. GRCh37 (hg19) VCF-style: chr12-6952394-CCAA-C.
Other names: c.261CAA[1], p.Asn88del (NM_001297571.2); short protein forms N88del.
Identifiers: ClinVar variation 1376204 (VCV001376204.6), dbSNP rs782248470, ClinGen allele CA6417488.

ClinVar aggregate classification (germline): Uncertain significance (1 of 4 stars; one submission).

Submission:

Labcorp Genetics (formerly Invitae), Labcorp
Classification: Uncertain significance. Last evaluated: 2021-12-13. Review status: criteria provided, single submitter. Criteria: Invitae Variant Classification Sherloc (09022015). Collection method: clinical testing. Allele origin: germline.
Comment: In summary, the available evidence is currently insufficient to determine the role of this variant in disease. Therefore, it has been classified as a Variant of Uncertain Significance. Experimental studies and prediction algorithms are not available or were not evaluated, and the functional significance of this variant is currently unknown. This variant has not been reported in the literature in individuals affected with GNB3-related conditions. This variant is present in population databases (rs782248470, gnomAD 0.0009%). This variant, c.264_266del, results in the deletion of 1 amino acid(s) of the GNB3 protein (p.Asn88del), but otherwise preserves the integrity of the reading frame.